The following is an entry in ClinVar:

NM_004408.4(DNM1):c.1082G>A (p.Arg361His)

Gene: DNM1 (dynamin 1; plus strand). Cytogenetic location: 9q34.11.
Variant type: single nucleotide variant.
Coding change: c.1082G>A on transcript NM_004408.4 (MANE Select); coding-DNA position 1082, G replaced by A.
Protein change: p.Arg361His; replaces arginine 361 with histidine.
Molecular consequence: missense variant.
Genome position (GRCh38, 1-based): chr9:128,222,550, G>A. VCF-style: chr9-128222550-G-A. GRCh37 (hg19) VCF-style: chr9-130984829-G-A.
Other names: c.1082G>A, p.Arg361His (NM_001005336.3, NM_001288737.2, NM_001288738.2 and 2 more transcripts); short protein forms R361H.
Identifiers: ClinVar variation 1303308 (VCV001303308.4), dbSNP rs1172228858, ClinGen allele CA375016279.

ClinVar aggregate classification (germline): Uncertain significance. Review status: criteria provided, multiple submitters, no conflicts (2 of 4 stars). 2 submissions from 2 submitters: Uncertain significance (2). Last evaluated 2025-12-11.

Conditions:
Developmental and epileptic encephalopathy, 31A. Also called: Epileptic encephalopathy, early infantile, 31; Developmental and epileptic encephalopathy, 31. Identifiers: Orphanet 2382, MedGen C4225357, MONDO:0014598, OMIM 616346.

Allele frequency attached by ClinVar (database versions not stated): gnomAD exomes below 0.00001.
gnomAD v4.1: 2 of 1,614,154 alleles (0.00012%); highest among the groups gnomAD compares: Non-Finnish European, 0.000085%; no homozygotes.

Submissions (2):

GeneDx
Classification: Uncertain significance. Last evaluated: 2025-12-11. Review status: criteria provided, single submitter. Criteria: GeneDx Variant Classification Process June 2021. Collection method: clinical testing. Allele origin: germline. Affected: yes.
Comment: In silico analysis supports that this missense variant has a deleterious effect on protein structure/function; Has not been previously published as pathogenic or benign to our knowledge

Labcorp Genetics (formerly Invitae), Labcorp
Classification: Uncertain significance for Developmental and epileptic encephalopathy, 31A. Last evaluated: 2025-04-21. Review status: criteria provided, single submitter. Criteria: Invitae Variant Classification Sherloc (09022015). Collection method: clinical testing. Allele origin: germline.
Comment: This sequence change replaces arginine, which is basic and polar, with histidine, which is basic and polar, at codon 361 of the DNM1 protein (p.Arg361His). This variant is present in population databases (no rsID available, gnomAD 0.004%). This variant has not been reported in the literature in individuals affected with DNM1-related conditions. ClinVar contains an entry for this variant (Variation ID: 1303308). Invitae Evidence Modeling of protein sequence and biophysical properties (such as structural, functional, and spatial information, amino acid conservation, physicochemical variation, residue mobility, and thermodynamic stability) has been performed for this missense variant. However, the output from this modeling did not meet the statistical confidence thresholds required to predict the impact of this variant on DNM1 protein function. This variant disrupts the p.Arg361 amino acid residue in DNM1. Other variant(s) that disrupt this residue have been determined to be pathogenic (internal data). This suggests that this residue is clinically significant, and that variants that disrupt this residue are likely to be disease-causing. In summary, the available evidence is currently insufficient to determine the role of this variant in disease. Therefore, it has been classified as a Variant of Uncertain Significance.